The following is an entry in ClinVar:

ClinVar aggregate classification (germline): Uncertain significance. Review status: criteria provided, multiple submitters, no conflicts (2 of 4 stars). 2 submissions from 2 submitters: Uncertain significance (2). Last evaluated 2024-12-10.

Conditions:
Inborn genetic diseases. Identifiers: MedGen C0950123, MeSH D030342.

gnomAD v4.1: 2 of 1,593,514 alleles (0.00013%); highest among the groups gnomAD compares: Non-Finnish European, 0.00017%; no homozygotes.

Submissions (2):

Ambry Genetics
Classification: Uncertain significance for Inborn genetic diseases. Last evaluated: 2024-12-10. Review status: criteria provided, single submitter. Criteria: Ambry Variant Classification Scheme 2023. Collection method: clinical testing. Allele origin: germline.

GeneDx
Classification: Uncertain significance. Last evaluated: 2024-05-13. Review status: criteria provided, single submitter. Criteria: GeneDx Variant Classification Process June 2021. Collection method: clinical testing. Allele origin: germline. Affected: yes.
Comment: Not observed at significant frequency in large population cohorts (gnomAD); In silico analysis supports that this missense variant has a deleterious effect on protein structure/function; Has not been previously published as pathogenic or benign to our knowledge

NM_001042545.2(LTBP4):c.2501T>C (p.Phe834Ser)

Gene: LTBP4 (latent transforming growth factor beta binding protein 4; plus strand). Cytogenetic location: 19q13.2.
Variant type: single nucleotide variant.
Coding change: c.2501T>C on transcript NM_001042545.2 (MANE Select); coding-DNA position 2501, T replaced by C.
Protein change: p.Phe834Ser; replaces phenylalanine 834 with serine.
Molecular consequence: missense variant.
Genome position (GRCh38, 1-based): chr19:40,613,473, T>C. VCF-style: chr19-40613473-T-C. GRCh37 (hg19) VCF-style: chr19-41119379-T-C.
Other names: c.2702T>C, p.Phe901Ser (NM_001042544.1); c.2591T>C, p.Phe864Ser (NM_003573.2); short protein forms F834S, F864S, F901S.
Identifiers: ClinVar variation 3378289 (VCV003378289.2).